The following is an entry in ClinVar:

NM_004484.4(GPC3):c.2T>C (p.Met1Thr)

Gene: GPC3 (glypican 3; minus strand). Cytogenetic location: Xq26.2.
Variant type: single nucleotide variant.
Coding change: c.2T>C on transcript NM_004484.4 (MANE Select); coding-DNA position 2, T replaced by C.
Protein change: p.Met1Thr; changes the start codon (methionine 1).
Molecular consequence: missense variant, initiator codon variant.
Genome position (GRCh38, 1-based): chrX:133,985,448, A>G on the plus strand (T>C on the coding strand, the complement: GPC3 is on the minus strand). VCF-style: chrX-133985448-A-G. GRCh37 (hg19) VCF-style: chrX-133119475-A-G.
Other names: c.2T>C, p.Met1Thr (NM_001164617.2, NM_001164618.2, NM_001164619.2); short protein forms M1T.
Identifiers: ClinVar variation 3350182 (VCV003350182.1).

ClinVar aggregate classification (germline): Uncertain significance (0 of 4 stars; one submission).

Conditions:
GPC3-related disorder. Also called: GPC3-related condition.

Submission:

PreventionGenetics, part of Exact Sciences
Classification: Uncertain significance for GPC3-related condition. Last evaluated: 2024-04-03. Review status: no assertion criteria provided. Collection method: clinical testing. Allele origin: germline.
Comment: The GPC3 c.2T>C variant is predicted to disrupt the translation initiation site (Start Loss). To our knowledge, this variant has not been reported in the literature or in a large population database, indicating this variant is rare. A downstream inframe methionine residue is also present in exon 1, making it difficult to predict whether c.2T>C variant would result in a complete absence of the gene product. Although we suspect that this variant may be pathogenic, at this time, the clinical significance of this variant is uncertain due to the absence of conclusive functional and genetic evidence.